The following is an entry in ClinVar:

ClinVar aggregate classification (germline): Uncertain significance. Review status: criteria provided, multiple submitters, no conflicts (2 of 4 stars). 2 submissions from 2 submitters: Uncertain significance (2). Last evaluated 2026-01-25.

gnomAD v4.1: 25 of 1,598,432 alleles (0.0016%); highest among the groups gnomAD compares: Non-Finnish European, 0.0021%; no homozygotes.

Submissions (2):

Labcorp Genetics (formerly Invitae), Labcorp
Classification: Uncertain significance. Last evaluated: 2026-01-25. Review status: criteria provided, single submitter. Criteria: Invitae Variant Classification Sherloc (09022015). Collection method: clinical testing. Allele origin: germline.
Comment: This sequence change replaces arginine, which is basic and polar, with proline, which is neutral and non-polar, at codon 910 of the COL7A1 protein (p.Arg910Pro). This variant is present in population databases (no rsID available, gnomAD 0.001%). This missense change has been observed in individual(s) with autosomal recessive dystrophic epidermolysis bullosa (PMID: 19665875). ClinVar contains an entry for this variant (Variation ID: 1303131). Invitae Evidence Modeling of protein sequence and biophysical properties (such as structural, functional, and spatial information, amino acid conservation, physicochemical variation, residue mobility, and thermodynamic stability) indicates that this missense variant is not expected to disrupt COL7A1 protein function with a negative predictive value of 95%. In summary, the available evidence is currently insufficient to determine the role of this variant in disease. Therefore, it has been classified as a Variant of Uncertain Significance.

GeneDx
Classification: Uncertain significance. Last evaluated: 2019-05-23. Review status: criteria provided, single submitter. Criteria: GeneDx Variant Classification Process June 2021. Collection method: clinical testing. Allele origin: germline. Affected: yes.
Comment: Not observed at a significant frequency in large population cohorts (Lek et al., 2016); In silico analysis, which includes protein predictors and evolutionary conservation, supports that this variant does not alter protein structure/function; This variant is associated with the following publications: (PMID: 19665875)

Literature cited by the submitters: PubMed 19665875 (cited by Labcorp Genetics (formerly Invitae), Labcorp).

NM_000094.4(COL7A1):c.2729G>C (p.Arg910Pro)

Gene: COL7A1 (collagen type VII alpha 1 chain; minus strand). Cytogenetic location: 3p21.31.
Variant type: single nucleotide variant.
Coding change: c.2729G>C on transcript NM_000094.4 (MANE Select); coding-DNA position 2729, G replaced by C.
Protein change: p.Arg910Pro; replaces arginine 910 with proline.
Molecular consequence: missense variant.
Genome position (GRCh38, 1-based): chr3:48,587,921, C>G on the plus strand (G>C on the coding strand, the complement: COL7A1 is on the minus strand). VCF-style: chr3-48587921-C-G. GRCh37 (hg19) VCF-style: chr3-48625354-C-G.
Other names: short protein forms R910P.
Identifiers: ClinVar variation 1303131 (VCV001303131.3), dbSNP rs373718618, ClinGen allele CA352716559.